The following is an entry in ClinVar:

ClinVar aggregate classification (germline): Uncertain significance. Review status: criteria provided, multiple submitters, no conflicts (2 of 4 stars). 2 submissions from 2 submitters: Uncertain significance (2). Last evaluated 2025-12-24.

Conditions:
Inborn genetic diseases. Identifiers: MedGen C0950123, MeSH D030342.

Allele frequency attached by ClinVar (database versions not stated): gnomAD exomes 0.00001; TOPMed below 0.00001.
gnomAD v4.1: 7 of 1,613,536 alleles (0.00043%); highest among the groups gnomAD compares: Non-Finnish European, 0.00059%; no homozygotes.

Submissions (2):

Ambry Genetics
Classification: Uncertain significance for Inborn genetic diseases. Last evaluated: 2025-12-24. Review status: criteria provided, single submitter. Criteria: Ambry Variant Classification Scheme 2023. Collection method: clinical testing. Allele origin: germline.

GeneDx
Classification: Uncertain significance. Last evaluated: 2017-08-01. Review status: criteria provided, single submitter. Criteria: GeneDx Variant Classification (06012015). Collection method: clinical testing. Allele origin: germline. Affected: yes.
Comment: The G514E variant has not been published as a pathogenic variant, nor has it been reported as a benign variant to our knowledge. This variant is not observed in large population cohorts (Lek et al., 2016; 1000 Genomes Consortium et al., 2015; Exome Variant Server). The G514E variant is a non-conservative amino acid substitution that occurs at a position that is conserved in mammals. In silico analysis predicts this variant is probably damaging to the protein structure/function. Therefore, based on the currently available information, it is unclear whether this variant is a pathogenic variant or a rare benign variant.

NM_172107.4(KCNQ2):c.1541G>A (p.Gly514Glu)

Gene: KCNQ2 (potassium voltage-gated channel subfamily Q member 2; minus strand). Cytogenetic location: 20q13.33.
Variant type: single nucleotide variant.
Coding change: c.1541G>A on transcript NM_172107.4 (MANE Select); coding-DNA position 1541, G replaced by A.
Protein change: p.Gly514Glu; replaces glycine 514 with glutamic acid.
Molecular consequence: missense variant.
Genome position (GRCh38, 1-based): chr20:63,414,178, C>T on the plus strand (G>A on the coding strand, the complement: KCNQ2 is on the minus strand). VCF-style: chr20-63414178-C-T. GRCh37 (hg19) VCF-style: chr20-62045531-C-T.
Other names: c.1457G>A, p.Gly486Glu (NM_004518.6); c.1487G>A, p.Gly496Glu (NM_172106.3); c.1448G>A, p.Gly483Glu (NM_172108.5); short protein forms G514E, G496E, G483E, G486E.
Identifiers: ClinVar variation 450825 (VCV000450825.3), dbSNP rs1358495877, ClinGen allele CA409645737.
Genomic context (GRCh38, chr20:63,414,178, plus strand): 5'-GGGGTCAGGTCCTCGGTCACAAACTCGCAGGGGCAGCTCTTGTCATCCACAATGTCCTCT[C>T]CGGGGAGGCTTGCTTCTGGGGGGAAGGAGACAGGCCGTGAGGGGCCGAGGGGGCCGGGAG-3'
Protein context (NP_742105.1, residues 504-524): RQNSEEASLP[Gly514Glu]EDIVDDKSCP